The following is an entry in ClinVar:

ClinVar aggregate classification (germline): Likely pathogenic (1 of 4 stars; one submission).

Conditions:
Familial cancer of breast. Also called: Hereditary breast cancer; hereditary breast carcinoma; BREAST CANCER, FAMILIAL. Identifiers: Orphanet 227535, MedGen C0346153, MONDO:0016419, OMIM 114480. Disease mechanism: loss of function.

Submission:

Labcorp Genetics (formerly Invitae), Labcorp
Classification: Likely pathogenic for Familial cancer of breast. Last evaluated: 2023-04-12. Review status: criteria provided, single submitter. Criteria: Invitae Variant Classification Sherloc (09022015). Collection method: clinical testing. Allele origin: germline.
Comment: In summary, the currently available evidence indicates that the variant is pathogenic, but additional data are needed to prove that conclusively. Therefore, this variant has been classified as Likely Pathogenic. This variant disrupts the WD40-like repeats of the PALB2 protein, which are required for interactions with the BRCA2, POLH, and RAD51C proteins (PMID: 24141787, 24485656). While functional studies have not been performed to directly test the effect of this variant on PALB2 protein function, this suggests that disruption of this region of the protein is causative of disease. A similar copy number variant has been observed in individual(s) with breast and gastric cancer (PMID: 22052327). This variant is a gross deletion of the genomic region encompassing exon(s) 7-11 of the PALB2 gene. This variant would be expected to be in-frame, preserving the integrity of the reading frame.

Literature cited by the submitters: PubMed 24141787; PubMed 24485656; PubMed 22052327.

NC_000016.10:g.(?_23613994)_(23626407_?)del

Gene: PALB2 (partner and localizer of BRCA2; minus strand). Cytogenetic location: 16p12.2.
Variant type: Deletion.
Identifiers: ClinVar variation 583804 (VCV000583804.7).